The following is an entry in ClinVar:

ClinVar aggregate classification (germline): Benign/Likely benign. Review status: criteria provided, multiple submitters, no conflicts (2 of 4 stars). 2 submissions from 2 submitters: Benign (1); Likely benign (1). Last evaluated 2025-12-01.

Conditions:
Fructose-biphosphatase deficiency (FBP1D). Also called: Fructose-1,6-Bisphosphatase 1 Deficiency; Fructose 1,6 Bisphosphatase Deficiency; Fructose-1,6-Diphosphatase Deficiency. Identifiers: Orphanet 348, MedGen C0016756, MONDO:0009251, OMIM 229700.

Allele frequency attached by ClinVar (database versions not stated): 1000 Genomes Project 0.00040; ExAC 0.00032; gnomAD exomes 0.00035 and 0.00013; 1000 Genomes Project 30x 0.00062; gnomAD 0.00006; ESP Exome Variant Server 0.00023; TOPMed 0.00008.
gnomAD v4.1: 203 of 1,613,898 alleles (0.013%); highest among the groups gnomAD compares: South Asian, 0.17%; 4 homozygotes.

Submissions (2):

Labcorp Genetics (formerly Invitae), Labcorp
Classification: Benign for Fructose-biphosphatase deficiency. Last evaluated: 2025-12-01. Review status: criteria provided, single submitter. Criteria: Invitae Variant Classification Sherloc (09022015). Collection method: clinical testing. Allele origin: germline.

GeneDx
Classification: Likely benign. Last evaluated: 2018-03-12. Review status: criteria provided, single submitter. Criteria: GeneDx Variant Classification (06012015). Collection method: clinical testing. Allele origin: germline. Affected: yes.
Comment: This variant is considered likely benign or benign based on one or more of the following criteria: it is a conservative change, it occurs at a poorly conserved position in the protein, it is predicted to be benign by multiple in silico algorithms, and/or has population frequency not consistent with disease.

NM_000507.4(FBP1):c.798C>T (p.Pro266=)

Gene: FBP1 (fructose-bisphosphatase 1; minus strand). Cytogenetic location: 9q22.32.
Variant type: single nucleotide variant.
Coding change: c.798C>T on transcript NM_000507.4 (MANE Select); coding-DNA position 798, C replaced by T.
Protein change: p.Pro266=; no amino-acid change (proline 266 retained).
Molecular consequence: synonymous variant.
Genome position (GRCh38, 1-based): chr9:94,605,484, G>A on the plus strand (C>T on the coding strand, the complement: FBP1 is on the minus strand). VCF-style: chr9-94605484-G-A. GRCh37 (hg19) VCF-style: chr9-97367766-G-A.
Other names: c.798C>T, p.Pro266= (NM_001127628.2).
Identifiers: ClinVar variation 515760 (VCV000515760.4), dbSNP rs142811660, ClinGen allele CA5136125.
Genomic context (GRCh38, chr9:94,605,484, plus strand): 5'-GCTCCTCACTCCCTCTCCAGGGGACACCCTTACCTTTCCATTGGGGCTCTTCTTGTTAGC[G>A]GGGTACAGAAATATCCCTCCGTAGACCAGAGTGCGATGAACATCAGCCACCATGGAGCCC-3'
Protein context (NP_000498.2, residues 256-276): TLVYGGIFLY[Pro266=]ANKKSPNGKL